The following is an entry in ClinVar:

NM_006767.4(LZTR1):c.1837A>G (p.Met613Val)

Gene: LZTR1 (leucine zipper like post translational regulator 1; plus strand). Cytogenetic location: 22q11.21.
Variant type: single nucleotide variant.
Coding change: c.1837A>G on transcript NM_006767.4 (MANE Select); coding-DNA position 1837, A replaced by G.
Protein change: p.Met613Val; replaces methionine 613 with valine.
Molecular consequence: missense variant.
Genome position (GRCh38, 1-based): chr22:20,994,921, A>G. VCF-style: chr22-20994921-A-G. GRCh37 (hg19) VCF-style: chr22-21349210-A-G.
Other names: c.1837A>G (NM_006767.3); short protein forms M613V.
Identifiers: ClinVar variation 2890521 (VCV002890521.4), dbSNP rs1434688462, ClinGen allele CA410778563.
Genomic context (GRCh38, chr22:20,994,921, plus strand): 5'-CTGCCCCAGGAGCACTGCCTGAACTTCGTGGTAAAGGAGTCCCACTTCAACCAGGTGATC[A>G]TGATGAAGGAGTTCGAGCGCCTCTCCTCTCCACTGATAGTGGAGATTGTGCGGCGGAAGC-3'
Protein context (NP_006758.2, residues 603-623): VKESHFNQVI[Met613Val]MKEFERLSSP

ClinVar aggregate classification (germline): Uncertain significance. Review status: criteria provided, multiple submitters, no conflicts (2 of 4 stars). 2 submissions from 2 submitters: Uncertain significance (2). Last evaluated 2025-09-10.

Conditions:
Hereditary cancer-predisposing syndrome. Also called: Neoplastic Syndromes, Hereditary; Hereditary neoplastic syndrome; Tumor predisposition; Hereditary Cancer Syndrome. Identifiers: Orphanet 140162, MedGen C0027672, MeSH D009386, MONDO:0015356.
Cardiovascular phenotype. Identifiers: MedGen CN230736.

Allele frequency attached by ClinVar (database versions not stated): gnomAD exomes below 0.00001; TOPMed 0.00001.
gnomAD v4.1: 2 of 1,613,418 alleles (0.00012%); highest among the groups gnomAD compares: Admixed American, 0.0017%; no homozygotes.

Submissions (2):

Labcorp Genetics (formerly Invitae), Labcorp
Classification: Uncertain significance. Last evaluated: 2025-09-10. Review status: criteria provided, single submitter. Criteria: Invitae Variant Classification Sherloc (09022015). Collection method: clinical testing. Allele origin: germline.
Comment: This sequence change replaces methionine, which is neutral and non-polar, with valine, which is neutral and non-polar, at codon 613 of the LZTR1 protein (p.Met613Val). This variant is present in population databases (no rsID available, gnomAD 0.003%). This variant has not been reported in the literature in individuals affected with LZTR1-related conditions. ClinVar contains an entry for this variant (Variation ID: 2890521). Invitae Evidence Modeling of protein sequence and biophysical properties (such as structural, functional, and spatial information, amino acid conservation, physicochemical variation, residue mobility, and thermodynamic stability) indicates that this missense variant is not expected to disrupt LZTR1 protein function with a negative predictive value of 80%. In summary, the available evidence is currently insufficient to determine the role of this variant in disease. Therefore, it has been classified as a Variant of Uncertain Significance.

Ambry Genetics
Classification: Uncertain significance for Cardiovascular phenotype; Hereditary cancer-predisposing syndrome. Last evaluated: 2024-02-23. Review status: criteria provided, single submitter. Criteria: Ambry Variant Classification Scheme 2023. Collection method: clinical testing. Allele origin: germline.
Comment: The p.M613V variant (also known as c.1837A>G), located in coding exon 16 of the LZTR1 gene, results from an A to G substitution at nucleotide position 1837. The methionine at codon 613 is replaced by valine, an amino acid with highly similar properties. This amino acid position is conserved. In addition, the in silico prediction for this alteration is inconclusive. Based on the available evidence, the clinical significance of this alteration remains unclear.